The following is an entry in ClinVar:

ClinVar aggregate classification (germline): Likely pathogenic (1 of 4 stars; one submission).

Conditions:
Niemann-Pick disease, type A. Also called: Infantile Neurovisceral ASMD (Niemann-Pick Disease Type A; NPD-A); SPHINGOMYELIN LIPIDOSIS; SPHINGOMYELINASE DEFICIENCY. Identifiers: Orphanet 77292, MedGen C0268242, MONDO:0009756, OMIM 257200. Disease mechanism: loss of function.

Submission:

Foundation for Research in Genetics and Endocrinology, FRIGE's Institute of Human Genetics
Classification: Likely pathogenic for Niemann-Pick disease, type A. Last evaluated: 2023-08-17. Review status: criteria provided, single submitter. Criteria: ACMG Guidelines, 2015. Collection method: clinical testing. Allele origin: germline. Inheritance: Autosomal recessive inheritance. Affected: yes. Observed: 1 homozygote.
Comment: A homozygous variant in exon 5 of the SMPD1 gene that results in the amino acid substitution of isoleucine for Asparagine at codon 494 was detected. The observed variant c.1481A>T (p.Asn494Lys) has not been reported 1000 genomes and gnomAD databases. The in-silico prediction is disease causing by LRT, PROVEAN, SIFT and Mutation Taster. In summary, the variant meets our criteria to be classified as likely pathogenic.

NM_000543.5(SMPD1):c.1481A>T (p.Asn494Ile)

Gene: SMPD1 (sphingomyelin phosphodiesterase 1; plus strand). Cytogenetic location: 11p15.4.
Variant type: single nucleotide variant.
Coding change: c.1481A>T on transcript NM_000543.5 (MANE Select); coding-DNA position 1481, A replaced by T.
Protein change: p.Asn494Ile; replaces asparagine 494 with isoleucine.
Molecular consequence: missense variant. On other transcripts: non-coding transcript variant (2).
Genome position (GRCh38, 1-based): chr11:6,394,036, A>T. VCF-style: chr11-6394036-A-T. GRCh37 (hg19) VCF-style: chr11-6415266-A-T.
Other names: p.Asn494Ile; c.1478A>T, p.Asn493Ile (NM_001007593.3); c.1481A>T, p.Asn494Ile (NM_001318087.2); c.560A>T, p.Asn187Ile (NM_001318088.2); c.1349A>T, p.Asn450Ile (NM_001365135.2); short protein forms N187I, N450I, N493I, N494I.
Identifiers: ClinVar variation 2582293 (VCV002582293.2), dbSNP rs2493820709, ClinGen allele CA379375576.
Genomic context (GRCh38, chr11:6,394,036, plus strand): 5'-TGAGCCGGCCGCTGGCTGTAGCCTTCCTGGCACCCAGTGCAACTACCTACATCGGCCTTA[A>T]TCCTGGTGAGTGAGGCAGAAGGGAGCCTCCCTTATCCTGGAGTTGGTGGGATAGGGGAAG-3'
Protein context (NP_000534.3, residues 484-504): APSATTYIGL[Asn494Ile]PGYRVYQIDG